The following is an entry in ClinVar:

ClinVar aggregate classification (germline): Uncertain significance (1 of 4 stars; one submission).

Conditions:
Hyperammonemia, type III (NAGSD). Also called: Hyperammonemia due to N-acetylglutamate synthase deficiency. Identifiers: Orphanet 927, MedGen C0268543, MONDO:0009377, OMIM 237310.

Allele frequency attached by ClinVar (database versions not stated): ExAC 0.00008; gnomAD exomes 0.00009.
gnomAD v4.1: 19 of 1,539,006 alleles (0.0012%); highest among the groups gnomAD compares: Admixed American, 0.033%; no homozygotes.

Submission:

Labcorp Genetics (formerly Invitae), Labcorp
Classification: Uncertain significance for Hyperammonemia, type III. Last evaluated: 2022-05-13. Review status: criteria provided, single submitter. Criteria: Invitae Variant Classification Sherloc (09022015). Collection method: clinical testing. Allele origin: germline.
Comment: This sequence change replaces serine, which is neutral and polar, with tryptophan, which is neutral and slightly polar, at codon 100 of the NAGS protein (p.Ser100Trp). This variant is present in population databases (rs764150659, gnomAD 0.05%). This variant has not been reported in the literature in individuals affected with NAGS-related conditions. Algorithms developed to predict the effect of missense changes on protein structure and function are either unavailable or do not agree on the potential impact of this missense change (SIFT: "Deleterious"; PolyPhen-2: "Probably Damaging"; Align-GVGD: "Class C15"). In summary, the available evidence is currently insufficient to determine the role of this variant in disease. Therefore, it has been classified as a Variant of Uncertain Significance.

NM_153006.3(NAGS):c.299C>G (p.Ser100Trp)

Gene: NAGS (N-acetylglutamate synthase; plus strand). Cytogenetic location: 17q21.31.
Variant type: single nucleotide variant.
Coding change: c.299C>G on transcript NM_153006.3 (MANE Select); coding-DNA position 299, C replaced by G.
Protein change: p.Ser100Trp; replaces serine 100 with tryptophan.
Molecular consequence: missense variant.
Genome position (GRCh38, 1-based): chr17:44,004,962, C>G. VCF-style: chr17-44004962-C-G. GRCh37 (hg19) VCF-style: chr17-42082330-C-G.
Other names: short protein forms S100W.
Identifiers: ClinVar variation 1368737 (VCV001368737.3), dbSNP rs764150659, ClinGen allele CA8595119.